The following is an entry in ClinVar:

ClinVar aggregate classification (germline): Uncertain significance. Review status: criteria provided, multiple submitters, no conflicts (2 of 4 stars). 3 submissions from 3 submitters: Uncertain significance (3). Last evaluated 2025-09-28.

Conditions:
Cardiovascular phenotype. Identifiers: MedGen CN230736.
Hereditary cancer-predisposing syndrome. Also called: Hereditary neoplastic syndrome; Neoplastic Syndromes, Hereditary; Tumor predisposition; Hereditary Cancer Syndrome. Identifiers: Orphanet 140162, MedGen C0027672, MeSH D009386, MONDO:0015356.
Neurofibromatosis, type 1 (NF1). Also called: VON RECKLINGHAUSEN DISEASE; Peripheral type neurofibromatosis; NEUROFIBROMATOSIS, TYPE I, SOMATIC; Neurofibromatosis, type I. Identifiers: Orphanet 636, MedGen C0027831, MONDO:0018975, OMIM 162200. Disease mechanism: loss of function.

Allele frequency attached by ClinVar (database versions not stated): gnomAD exomes below 0.00001.
gnomAD v4.1: 1 of 1,613,988 alleles (0.000062%); highest among the groups gnomAD compares: Non-Finnish European, 0.000085%; no homozygotes.

Submissions (3):

Ambry Genetics
Classification: Uncertain significance for Cardiovascular phenotype; Hereditary cancer-predisposing syndrome. Last evaluated: 2025-09-28. Review status: criteria provided, single submitter. Criteria: Ambry Variant Classification Scheme 2023. Collection method: clinical testing. Allele origin: germline.
Comment: The p.N2655D variant (also known as c.7963A>G), located in coding exon 54 of the NF1 gene, results from an A to G substitution at nucleotide position 7963. The asparagine at codon 2655 is replaced by aspartic acid, an amino acid with highly similar properties. This amino acid position is highly conserved in available vertebrate species. In addition, this alteration is predicted to be tolerated by in silico analysis. Since supporting evidence is limited at this time, the clinical significance of this alteration remains unclear.

Labcorp Genetics (formerly Invitae), Labcorp
Classification: Uncertain significance for Neurofibromatosis, type 1. Last evaluated: 2024-10-29. Review status: criteria provided, single submitter. Criteria: Invitae Variant Classification Sherloc (09022015). Collection method: clinical testing. Allele origin: germline.
Comment: This sequence change replaces asparagine, which is neutral and polar, with aspartic acid, which is acidic and polar, at codon 2655 of the NF1 protein (p.Asn2655Asp). This variant is not present in population databases (gnomAD no frequency). This variant has not been reported in the literature in individuals affected with NF1-related conditions. ClinVar contains an entry for this variant (Variation ID: 484041). Invitae Evidence Modeling of protein sequence and biophysical properties (such as structural, functional, and spatial information, amino acid conservation, physicochemical variation, residue mobility, and thermodynamic stability) indicates that this missense variant is not expected to disrupt NF1 protein function with a negative predictive value of 95%. In summary, the available evidence is currently insufficient to determine the role of this variant in disease. Therefore, it has been classified as a Variant of Uncertain Significance.

Genome-Nilou Lab
Classification: Uncertain significance for Neurofibromatosis, type 1. Last evaluated: 2022-03-15. Review status: criteria provided, single submitter. Criteria: ACMG Guidelines, 2015. Collection method: clinical testing. Allele origin: germline. Affected: no.

NM_001042492.3(NF1):c.8026A>G (p.Asn2676Asp)

Gene: NF1 (neurofibromin 1; plus strand). Cytogenetic location: 17q11.2.
Variant type: single nucleotide variant.
Coding change: c.8026A>G on transcript NM_001042492.3 (MANE Select); coding-DNA position 8026, A replaced by G.
Protein change: p.Asn2676Asp; replaces asparagine 2676 with aspartic acid.
Molecular consequence: missense variant.
Genome position (GRCh38, 1-based): chr17:31,358,535, A>G. VCF-style: chr17-31358535-A-G. GRCh37 (hg19) VCF-style: chr17-29685553-A-G.
Other names: c.7963A>G, p.Asn2655Asp (NM_000267.4); short protein forms N2676D, N2655D.
Identifiers: ClinVar variation 484041 (VCV000484041.12), dbSNP rs1555536902, ClinGen allele CA399203707.